The following is an entry in ClinVar:

NM_000183.3(HADHB):c.1405G>A (p.Val469Met)

Gene: HADHB (hydroxyacyl-CoA dehydrogenase trifunctional multienzyme complex subunit beta; plus strand). Cytogenetic location: 2p23.3.
Variant type: single nucleotide variant.
Coding change: c.1405G>A on transcript NM_000183.3 (MANE Select); coding-DNA position 1405, G replaced by A.
Protein change: p.Val469Met; replaces valine 469 with methionine.
Molecular consequence: missense variant.
Genome position (GRCh38, 1-based): chr2:26,289,933, G>A. VCF-style: chr2-26289933-G-A. GRCh37 (hg19) VCF-style: chr2-26512801-G-A.
Other names: c.1360G>A, p.Val454Met (NM_001281512.2); c.1339G>A, p.Val447Met (NM_001281513.2); short protein forms V447M, V454M, V469M.
Identifiers: ClinVar variation 1305701 (VCV001305701.7), dbSNP rs1673196031, ClinGen allele CA346097966.
Genomic context (GRCh38, chr2:26,289,933, plus strand): 5'-TTCATCACCATTCATTGCTCTAATTGGACTTTGTTTTCTTTACAGGGCCATGCTATGATA[G>A]TGGAAGCTTATCCAAAATAATAGATCCAGAAGAAGTGACCTGAAGTTTCTGTGCAACACT-3'
Protein context (NP_000174.1, residues 459-474): AAGGQGHAMI[Val469Met]EAYPK

ClinVar aggregate classification (germline): Uncertain significance. Review status: criteria provided, multiple submitters, no conflicts (2 of 4 stars). 3 submissions from 3 submitters: Uncertain significance (3). Last evaluated 2024-02-19.

Conditions:
Mitochondrial trifunctional protein deficiency 2 (MTPD2). Identifiers: MedGen C5830374, MONDO:0958185, OMIM 620300.
Mitochondrial trifunctional protein deficiency. Identifiers: Orphanet 746, MedGen C1969443, MONDO:0012172.

Allele frequency attached by ClinVar (database versions not stated): gnomAD exomes below 0.00001; TOPMed below 0.00001.
gnomAD v4.1: 4 of 1,609,416 alleles (0.00025%); highest among the groups gnomAD compares: Non-Finnish European, 0.00017%; no homozygotes.

Submissions (3):

Fulgent Genetics
Classification: Uncertain significance for Mitochondrial trifunctional protein deficiency 2. Last evaluated: 2024-02-19. Review status: criteria provided, single submitter. Criteria: ACMG Guidelines, 2015. Collection method: clinical testing. Allele origin: germline.

Labcorp Genetics (formerly Invitae), Labcorp
Classification: Uncertain significance for Mitochondrial trifunctional protein deficiency. Last evaluated: 2021-08-14. Review status: criteria provided, single submitter. Criteria: Invitae Variant Classification Sherloc (09022015). Collection method: clinical testing. Allele origin: germline.
Comment: This sequence change replaces valine with methionine at codon 469 of the HADHB protein (p.Val469Met). The valine residue is moderately conserved and there is a small physicochemical difference between valine and methionine. This variant is not present in population databases (ExAC no frequency). This variant has not been reported in the literature in individuals affected with HADHB-related conditions. Algorithms developed to predict the effect of missense changes on protein structure and function are either unavailable or do not agree on the potential impact of this missense change (SIFT: "Deleterious"; PolyPhen-2: "Possibly Damaging"; Align-GVGD: "Class C0"). In summary, the available evidence is currently insufficient to determine the role of this variant in disease. Therefore, it has been classified as a Variant of Uncertain Significance.

GeneDx
Classification: Uncertain significance. Last evaluated: 2019-05-07. Review status: criteria provided, single submitter. Criteria: GeneDx Variant Classification Process June 2021. Collection method: clinical testing. Allele origin: germline. Affected: yes.
Comment: Has not been previously published as pathogenic or benign to our knowledge